The following is an entry in ClinVar:

NM_000275.3(OCA2):c.2464A>C (p.Thr822Pro)

Gene: OCA2 (OCA2 melanosomal transmembrane protein; minus strand). Cytogenetic location: 15q12.
Variant type: single nucleotide variant.
Coding change: c.2464A>C on transcript NM_000275.3 (MANE Select); coding-DNA position 2464, A replaced by C.
Protein change: p.Thr822Pro; replaces threonine 822 with proline.
Molecular consequence: missense variant.
Genome position (GRCh38, 1-based): chr15:27,755,441, T>G on the plus strand (A>C on the coding strand, the complement: OCA2 is on the minus strand). VCF-style: chr15-27755441-T-G. GRCh37 (hg19) VCF-style: chr15-28000587-T-G.
Other names: c.2392A>C, p.Thr798Pro (NM_001300984.2); short protein forms T798P, T822P.
Identifiers: ClinVar variation 2709689 (VCV002709689.3), dbSNP rs2504085140, ClinGen allele CA391470138.

ClinVar aggregate classification (germline): Uncertain significance (1 of 4 stars; one submission).

Allele frequency attached by ClinVar (database versions not stated): gnomAD exomes below 0.00001.
gnomAD v4.1: 1 of 1,613,990 alleles (0.000062%); highest among the groups gnomAD compares: Non-Finnish European, 0.000085%; no homozygotes.

Submission:

Labcorp Genetics (formerly Invitae), Labcorp
Classification: Uncertain significance. Last evaluated: 2024-06-26. Review status: criteria provided, single submitter. Criteria: Invitae Variant Classification Sherloc (09022015). Collection method: clinical testing. Allele origin: germline.
Comment: This sequence change replaces threonine, which is neutral and polar, with proline, which is neutral and non-polar, at codon 822 of the OCA2 protein (p.Thr822Pro). This variant is not present in population databases (gnomAD no frequency). This variant has not been reported in the literature in individuals affected with OCA2-related conditions. Advanced modeling of protein sequence and biophysical properties (such as structural, functional, and spatial information, amino acid conservation, physicochemical variation, residue mobility, and thermodynamic stability) performed at Invitae indicates that this missense variant is not expected to disrupt OCA2 protein function with a negative predictive value of 80%. In summary, the available evidence is currently insufficient to determine the role of this variant in disease. Therefore, it has been classified as a Variant of Uncertain Significance.